The following is an entry in ClinVar:

NM_000063.6(C2):c.1103G>A (p.Arg368Gln)

Genes: C2 (complement C2; plus strand), C2-AS1 (C2 antisense RNA 1; minus strand). Cytogenetic location: 6p21.33.
Variant type: single nucleotide variant.
Coding change: c.1103G>A on transcript NM_000063.6 (MANE Select); coding-DNA position 1103, G replaced by A.
Protein change: p.Arg368Gln; replaces arginine 368 with glutamine.
Molecular consequence: missense variant.
Genome position (GRCh38, 1-based): chr6:31,937,433, G>A. VCF-style: chr6-31937433-G-A. GRCh37 (hg19) VCF-style: chr6-31905210-G-A.
Other names: c.707G>A, p.Arg236Gln (NM_001145903.3); c.461G>A, p.Arg154Gln (NM_001178063.3); c.365G>A, p.Arg122Gln (NM_001282457.2); c.1016G>A, p.Arg339Gln (NM_001282458.2); short protein forms R236Q, R122Q, R339Q, R154Q, R368Q.
Identifiers: ClinVar variation 4738634 (VCV004738634.1).

ClinVar aggregate classification (germline): Uncertain significance (1 of 4 stars; one submission).

gnomAD v4.1: 45 of 1,612,686 alleles (0.0028%); highest among the groups gnomAD compares: East Asian, 0.033%; 1 homozygote.

Submission:

Labcorp Genetics (formerly Invitae), Labcorp
Classification: Uncertain significance. Last evaluated: 2026-01-12. Review status: criteria provided, single submitter. Criteria: Invitae Variant Classification Sherloc (09022015). Collection method: clinical testing. Allele origin: germline.
Comment: This sequence change replaces arginine, which is basic and polar, with glutamine, which is neutral and polar, at codon 368 of the C2 protein (p.Arg368Gln). This variant is present in population databases (rs761100503, gnomAD 0.03%). This variant has not been reported in the literature in individuals affected with C2-related conditions. Invitae Evidence Modeling of protein sequence and biophysical properties (such as structural, functional, and spatial information, amino acid conservation, physicochemical variation, residue mobility, and thermodynamic stability) indicates that this missense variant is not expected to disrupt C2 protein function with a negative predictive value of 80%. In summary, the available evidence is currently insufficient to determine the role of this variant in disease. Therefore, it has been classified as a Variant of Uncertain Significance.